The following is an entry in ClinVar:

ClinVar aggregate classification (germline): Uncertain significance (1 of 4 stars; one submission).

Conditions:
Leukocyte adhesion deficiency 1 (LAD1). Also called: LEUKOCYTE ADHESION DEFICIENCY, TYPE I; LAD 1; Lymphocyte function-associated antigen 1 immunodeficiency; LFA 1 immunodeficiency. Identifiers: Orphanet 2968, Orphanet 99842, MedGen C0398738, MONDO:0007293, OMIM 116920.

Allele frequency attached by ClinVar (database versions not stated): gnomAD 0.00002; gnomAD exomes 0.00002.
gnomAD v4.1: 24 of 1,607,548 alleles (0.0015%); highest among the groups gnomAD compares: African/African-American, 0.0027%; no homozygotes.

Submission:

Labcorp Genetics (formerly Invitae), Labcorp
Classification: Uncertain significance for Leukocyte adhesion deficiency 1. Last evaluated: 2021-03-28. Review status: criteria provided, single submitter. Criteria: Invitae Variant Classification Sherloc (09022015). Collection method: clinical testing. Allele origin: germline.
Comment: This sequence change replaces aspartic acid with asparagine at codon 58 of the ITGB2 protein (p.Asp58Asn). The aspartic acid residue is highly conserved and there is a small physicochemical difference between aspartic acid and asparagine. This variant is not present in population databases (ExAC no frequency). This variant has not been reported in the literature in individuals with ITGB2-related conditions. Algorithms developed to predict the effect of missense changes on protein structure and function output the following: SIFT: "Deleterious"; PolyPhen-2: "Benign"; Align-GVGD: "Class C15". The asparagine amino acid residue is found in multiple mammalian species, suggesting that this missense change does not adversely affect protein function. These predictions have not been confirmed by published functional studies and their clinical significance is uncertain. In summary, the available evidence is currently insufficient to determine the role of this variant in disease. Therefore, it has been classified as a Variant of Uncertain Significance.

NM_000211.5(ITGB2):c.172G>A (p.Asp58Asn)

Gene: ITGB2 (integrin subunit beta 2; minus strand). Cytogenetic location: 21q22.3.
Variant type: single nucleotide variant.
Coding change: c.172G>A on transcript NM_000211.5 (MANE Select); coding-DNA position 172, G replaced by A.
Protein change: p.Asp58Asn; replaces aspartic acid 58 with asparagine.
Molecular consequence: missense variant. On other transcripts: 5 prime UTR variant (1).
Genome position (GRCh38, 1-based): chr21:44,907,071, C>T on the plus strand (G>A on the coding strand, the complement: ITGB2 is on the minus strand). VCF-style: chr21-44907071-C-T. GRCh37 (hg19) VCF-style: chr21-46326986-C-T.
Other names: c.172G>A, p.Asp58Asn (NM_001127491.3); c.-36G>A (NM_001303238.2); short protein forms D58N.
Identifiers: ClinVar variation 1394814 (VCV001394814.9), dbSNP rs1439079846, ClinGen allele CA410479939.